The following is an entry in ClinVar:

NM_018263.6(ASXL2):c.3159A>G (p.Gln1053=)

Gene: ASXL2 (ASXL transcriptional regulator 2; minus strand). Cytogenetic location: 2p23.3.
Variant type: single nucleotide variant.
Coding change: c.3159A>G on transcript NM_018263.6 (MANE Select); coding-DNA position 3159, A replaced by G.
Protein change: p.Gln1053=; no amino-acid change (glutamine 1053 retained).
Molecular consequence: synonymous variant.
Genome position (GRCh38, 1-based): chr2:25,743,178, T>C on the plus strand (A>G on the coding strand, the complement: ASXL2 is on the minus strand). VCF-style: chr2-25743178-T-C. GRCh37 (hg19) VCF-style: chr2-25966047-T-C.
Other names: c.3159A>G (NM_018263.4); c.2985A>G, p.Gln995= (NM_001369346.1); c.2379A>G, p.Gln793= (NM_001369347.1).
Identifiers: ClinVar variation 1625823 (VCV001625823.23), dbSNP rs371658847, ClinGen allele CA1557523.

ClinVar aggregate classification (germline): Likely benign. Review status: criteria provided, multiple submitters, no conflicts (2 of 4 stars). 3 submissions from 3 submitters: Likely benign (2). 1 of the submissions does not count toward it. Last evaluated 2025-02-01.

Conditions:
ASXL2-related disorder. Also called: ASXL2-related condition.

Allele frequency attached by ClinVar (database versions not stated): ExAC 0.00002; gnomAD exomes 0.00002; TOPMed 0.00004; gnomAD 0.00005; ESP Exome Variant Server 0.00008.
gnomAD v4.1: 29 of 1,613,902 alleles (0.0018%); highest among the groups gnomAD compares: Middle Eastern, 0.016%; no homozygotes.

Submissions (3):

CeGaT Center for Human Genetics Tuebingen
Classification: Likely benign. Last evaluated: 2025-02-01. Review status: criteria provided, single submitter. Criteria: CeGaT Center For Human Genetics Tuebingen Variant Classification Criteria Version 2. Collection method: clinical testing. Allele origin: germline. Affected: yes. Observed: 1 variant allele.
Comment: ASXL2: BP4, BP7

Labcorp Genetics (formerly Invitae), Labcorp
Classification: Likely benign. Last evaluated: 2024-11-11. Review status: criteria provided, single submitter. Criteria: Invitae Variant Classification Sherloc (09022015). Collection method: clinical testing. Allele origin: germline.

PreventionGenetics, part of Exact Sciences
Classification: Likely benign for ASXL2-related condition. Last evaluated: 2024-03-11. Review status: no assertion criteria provided. Collection method: clinical testing. Allele origin: germline. Not counted in ClinVar's aggregate classification.
Comment: This variant is classified as likely benign based on ACMG/AMP sequence variant interpretation guidelines (Richards et al. 2015 PMID: 25741868, with internal and published modifications).